The following is an entry in ClinVar:

NM_004539.4(NARS1):c.990G>A (p.Arg330=)

Gene: NARS1 (asparaginyl-tRNA synthetase 1; minus strand). Cytogenetic location: 18q21.31.
Variant type: single nucleotide variant.
Coding change: c.990G>A on transcript NM_004539.4 (MANE Select); coding-DNA position 990, G replaced by A.
Protein change: p.Arg330=; no amino-acid change (arginine 330 retained).
Molecular consequence: synonymous variant.
Genome position (GRCh38, 1-based): chr18:57,607,145, C>T on the plus strand (G>A on the coding strand, the complement: NARS1 is on the minus strand). VCF-style: chr18-57607145-C-T. GRCh37 (hg19) VCF-style: chr18-55274377-C-T.
Identifiers: ClinVar variation 4981745 (VCV004981745.1).

ClinVar aggregate classification (germline): Likely benign (1 of 4 stars; one submission).

Conditions:
NARS1-related disorder. Also called: NARS1-related condition.

gnomAD v4.1: 53 of 1,612,568 alleles (0.0033%); highest among the groups gnomAD compares: African/African-American, 0.04%; no homozygotes.

Submission:

PreventionGenetics, part of Exact Sciences
Classification: Likely benign for NARS1-related condition. Last evaluated: 2025-10-03. Review status: criteria provided, single submitter. Criteria: ACMG Guidelines, 2015. Collection method: clinical testing. Allele origin: germline.
Comment: This variant is classified as likely benign based on ACMG/AMP sequence variant interpretation guidelines (Richards et al. 2015 PMID: 25741868, with internal and published modifications).